The following is an entry in ClinVar:

NM_000477.7(ALB):c.1668C>T (p.Leu556=)

Gene: ALB (albumin; plus strand). Cytogenetic location: 4q13.3.
Variant type: single nucleotide variant.
Coding change: c.1668C>T on transcript NM_000477.7 (MANE Select); coding-DNA position 1668, C replaced by T.
Protein change: p.Leu556=; no amino-acid change (leucine 556 retained).
Molecular consequence: synonymous variant.
Genome position (GRCh38, 1-based): chr4:73,419,522, C>T. VCF-style: chr4-73419522-C-T. GRCh37 (hg19) VCF-style: chr4-74285239-C-T.
Identifiers: ClinVar variation 349639 (VCV000349639.13), dbSNP rs962004, ClinGen allele CA2959725.

ClinVar aggregate classification (germline): Benign. Review status: criteria provided, multiple submitters, no conflicts (2 of 4 stars). 3 submissions from 3 submitters: Benign (3). Last evaluated 2026-02-03.

Conditions:
Hyperthyroxinemia, familial dysalbuminemic (FDAH). Also called: EUTHYROID HYPERTHYROXINEMIA 1. Identifiers: MedGen C0342185, MONDO:0014448, OMIM 615999.

Allele frequency attached by ClinVar (database versions not stated): 1000 Genomes Project 0.48343; 1000 Genomes Project 30x 0.48360; TOPMed 0.49615; gnomAD 0.50892 and 0.51012; ESP Exome Variant Server 0.51830; gnomAD exomes 0.52717 and 0.56301; ExAC 0.53538.
gnomAD v4.1: 897,677 of 1,611,588 alleles (56%); highest among the groups gnomAD compares: Non-Finnish European, 58%; 252,820 homozygotes.

Submissions (3):

Labcorp Genetics (formerly Invitae), Labcorp
Classification: Benign. Last evaluated: 2026-02-03. Review status: criteria provided, single submitter. Criteria: Invitae Variant Classification Sherloc (09022015). Collection method: clinical testing. Allele origin: germline.

Illumina Laboratory Services, Illumina
Classification: Benign for Hyperthyroxinemia, familial dysalbuminemic. Last evaluated: 2018-01-13. Review status: criteria provided, single submitter. Criteria: ICSL Variant Classification Criteria 13 December 2019. Collection method: clinical testing. Allele origin: germline.
Comment: This variant was observed in the ICSL laboratory as part of a predisposition screen in an ostensibly healthy population. It had not been previously curated by ICSL or reported in the Human Gene Mutation Database (HGMD: prior to June 1st, 2018), and was therefore a candidate for classification through an automated scoring system. Utilizing variant allele frequency, disease prevalence and penetrance estimates, and inheritance mode, an automated score was calculated to assess if this variant is too frequent to cause the disease. Based on the score and internal cut-off values, a variant classified as benign is not then subjected to further curation. The score for this variant resulted in a classification of benign for this disease.

Breakthrough Genomics
Classification: Benign. Review status: criteria provided, single submitter. Criteria: ACMG Guidelines, 2015. Collection method: not provided. Allele origin: germline. Inheritance: Autosomal recessive inheritance. Affected: yes.